The following is an entry in ClinVar:

ClinVar aggregate classification (germline): Uncertain significance. Review status: criteria provided, multiple submitters, no conflicts (2 of 4 stars). 2 submissions from 2 submitters: Uncertain significance (2). Last evaluated 2021-12-07.

Conditions:
Hereditary cancer-predisposing syndrome. Also called: Tumor predisposition; Hereditary neoplastic syndrome; Hereditary Cancer Syndrome; Neoplastic Syndromes, Hereditary. Identifiers: Orphanet 140162, MedGen C0027672, MeSH D009386, MONDO:0015356.
Familial adenomatous polyposis 1 (FAP1). Also called: FAMILIAL ADENOMATOUS POLYPOSIS 1, ATTENUATED; POLYPOSIS, ADENOMATOUS INTESTINAL. Identifiers: MedGen C2713442, MONDO:0021056, OMIM 175100. Disease mechanism: loss of function.

Submissions (2):

Ambry Genetics
Classification: Uncertain significance for Hereditary cancer-predisposing syndrome. Last evaluated: 2021-12-07. Review status: criteria provided, single submitter. Criteria: Ambry Variant Classification Scheme 2023. Collection method: clinical testing. Allele origin: germline.
Comment: The p.Q1905L variant (also known as c.5714A>T), located in coding exon 15 of the APC gene, results from an A to T substitution at nucleotide position 5714. The glutamine at codon 1905 is replaced by leucine, an amino acid with dissimilar properties. This amino acid position is well conserved in available vertebrate species. In addition, in silico predictors for this gene do not accurately predict pathogenicity. Since supporting evidence is limited at this time, the clinical significance of this alteration remains unclear.

Labcorp Genetics (formerly Invitae), Labcorp
Classification: Uncertain significance for Familial adenomatous polyposis 1. Last evaluated: 2019-09-30. Review status: criteria provided, single submitter. Criteria: Invitae Variant Classification Sherloc (09022015). Collection method: clinical testing. Allele origin: germline.
Comment: In summary, the available evidence is currently insufficient to determine the role of this variant in disease. Therefore, it has been classified as a Variant of Uncertain Significance. Algorithms developed to predict the effect of missense changes on protein structure and function (SIFT, PolyPhen-2, Align-GVGD) all suggest that this variant is likely to be tolerated, but these predictions have not been confirmed by published functional studies and their clinical significance is uncertain. This variant has not been reported in the literature in individuals with APC-related conditions. This variant is not present in population databases (ExAC no frequency). This sequence change replaces glutamine with leucine at codon 1905 of the APC protein (p.Gln1905Leu). The glutamine residue is moderately conserved and there is a moderate physicochemical difference between glutamine and leucine.

NM_000038.6(APC):c.5714A>T (p.Gln1905Leu)

Gene: APC (APC regulator of Wnt signaling pathway; plus strand). Cytogenetic location: 5q22.2.
Variant type: single nucleotide variant.
Coding change: c.5714A>T on transcript NM_000038.6 (MANE Select); coding-DNA position 5714, A replaced by T.
Protein change: p.Gln1905Leu; replaces glutamine 1905 with leucine.
Molecular consequence: missense variant.
Genome position (GRCh38, 1-based): chr5:112,841,308, A>T. VCF-style: chr5-112841308-A-T. GRCh37 (hg19) VCF-style: chr5-112177005-A-T.
Other names: c.5714A>T, p.Gln1905Leu (NM_001127510.3, NM_001354895.2); c.5660A>T, p.Gln1887Leu (NM_001127511.3); c.5768A>T, p.Gln1923Leu (NM_001354896.2); c.5744A>T, p.Gln1915Leu (NM_001354897.2); c.5639A>T, p.Gln1880Leu (NM_001354898.2); c.5630A>T, p.Gln1877Leu (NM_001354899.2); c.5591A>T, p.Gln1864Leu (NM_001354900.2); c.5537A>T, p.Gln1846Leu (NM_001354901.2); and 5 more; short protein forms Q1804L, Q1846L, Q1864L, Q1622L, Q1745L, Q1779L, Q1814L, Q1877L.
Identifiers: ClinVar variation 963039 (VCV000963039.13), dbSNP rs876658338, ClinGen allele CA16033841.